The following is an entry in ClinVar:

NM_017837.4(PIGV):c.1286G>C (p.Arg429Thr)

Gene: PIGV (phosphatidylinositol glycan anchor biosynthesis class V; plus strand). Cytogenetic location: 1p36.11.
Variant type: single nucleotide variant.
Coding change: c.1286G>C on transcript NM_017837.4 (MANE Select); coding-DNA position 1286, G replaced by C.
Protein change: p.Arg429Thr; replaces arginine 429 with threonine.
Molecular consequence: missense variant. On other transcripts: non-coding transcript variant (2).
Genome position (GRCh38, 1-based): chr1:26,797,648, G>C. VCF-style: chr1-26797648-G-C. GRCh37 (hg19) VCF-style: chr1-27124139-G-C.
Other names: c.1286G>C, p.Arg429Thr (NM_001202554.2, NM_001374478.1, NM_001374480.1 and 2 more transcripts); c.905G>C, p.Arg302Thr (NM_001374483.1); c.659G>C, p.Arg220Thr (NM_001374484.1, NM_001374485.1); c.164G>C, p.Arg55Thr (NM_001374486.1); short protein forms R302T, R220T, R55T, R429T.
Identifiers: ClinVar variation 1989931 (VCV001989931.4), dbSNP rs747348693, ClinGen allele CA339203911.

ClinVar aggregate classification (germline): Uncertain significance (1 of 4 stars; one submission).

Submission:

Labcorp Genetics (formerly Invitae), Labcorp
Classification: Uncertain significance. Last evaluated: 2023-07-31. Review status: criteria provided, single submitter. Criteria: Invitae Variant Classification Sherloc (09022015). Collection method: clinical testing. Allele origin: germline.
Comment: In summary, the available evidence is currently insufficient to determine the role of this variant in disease. Therefore, it has been classified as a Variant of Uncertain Significance. An algorithm developed to predict the effect of missense changes on protein structure and function (PolyPhen-2) suggests that this variant is likely to be tolerated. ClinVar contains an entry for this variant (Variation ID: 1989931). This variant has not been reported in the literature in individuals affected with PIGV-related conditions. This variant is not present in population databases (gnomAD no frequency). This sequence change replaces arginine, which is basic and polar, with threonine, which is neutral and polar, at codon 429 of the PIGV protein (p.Arg429Thr).